The following is an entry in ClinVar:

ClinVar aggregate classification (germline): Uncertain significance. Review status: criteria provided, multiple submitters, no conflicts (2 of 4 stars). 2 submissions from 2 submitters: Uncertain significance (2). Last evaluated 2025-03-18.

Conditions:
Inborn genetic diseases. Identifiers: MedGen C0950123, MeSH D030342.

gnomAD v4.1: 30 of 1,599,538 alleles (0.0019%); highest among the groups gnomAD compares: Non-Finnish European, 0.0026%; no homozygotes.

Submissions (2):

GeneDx
Classification: Uncertain significance. Last evaluated: 2025-03-18. Review status: criteria provided, single submitter. Criteria: GeneDx Variant Classification Process June 2021. Collection method: clinical testing. Allele origin: germline. Affected: yes.
Comment: Not observed at significant frequency in large population cohorts (gnomAD); In silico analysis indicates that this missense variant does not alter protein structure/function; Has not been previously published as pathogenic or benign to our knowledge

Ambry Genetics
Classification: Uncertain significance for Inborn genetic diseases. Last evaluated: 2024-07-23. Review status: criteria provided, single submitter. Criteria: Ambry Variant Classification Scheme 2023. Collection method: clinical testing. Allele origin: germline.

NM_020166.5(MCCC1):c.82C>T (p.Pro28Ser)

Gene: MCCC1 (methylcrotonyl-CoA carboxylase subunit 1; minus strand). Cytogenetic location: 3q27.1.
Variant type: single nucleotide variant.
Coding change: c.82C>T on transcript NM_020166.5 (MANE Select); coding-DNA position 82, C replaced by T.
Protein change: p.Pro28Ser; replaces proline 28 with serine.
Molecular consequence: missense variant. On other transcripts: 5 prime UTR variant (2), non-coding transcript variant (1).
Genome position (GRCh38, 1-based): chr3:183,099,359, G>A on the plus strand (C>T on the coding strand, the complement: MCCC1 is on the minus strand). VCF-style: chr3-183099359-G-A. GRCh37 (hg19) VCF-style: chr3-182817147-G-A.
Other names: c.-11C>T (NM_001293273.2); c.-109C>T (NM_001363880.1); short protein forms P28S.
Identifiers: ClinVar variation 3544071 (VCV003544071.2).